The following is an entry in ClinVar:

NM_000138.5(FBN1):c.357C>A (p.Cys119Ter)

Gene: FBN1 (fibrillin 1; minus strand). Cytogenetic location: 15q21.1.
Variant type: single nucleotide variant.
Coding change: c.357C>A on transcript NM_000138.5 (MANE Select); coding-DNA position 357, C replaced by A.
Protein change: p.Cys119Ter; replaces cysteine 119 with a stop codon.
Molecular consequence: nonsense.
Genome position (GRCh38, 1-based): chr15:48,600,224, G>T on the plus strand (C>A on the coding strand, the complement: FBN1 is on the minus strand). VCF-style: chr15-48600224-G-T. GRCh37 (hg19) VCF-style: chr15-48892421-G-T.
Other names: c.357C>A, p.Cys119Ter (NM_001406716.1, NM_001406717.1); short protein forms C119*.
Identifiers: ClinVar variation 4023430 (VCV004023430.1).

ClinVar aggregate classification (germline): Pathogenic (1 of 4 stars; one submission).

Conditions:
Familial thoracic aortic aneurysm and aortic dissection (TAAD). Also called: Thoracic aortic aneurysms and dissections. Identifiers: Orphanet 91387, MedGen C4707243, MONDO:0019625.

Submission:

Ambry Genetics
Classification: Pathogenic for Familial thoracic aortic aneurysm and aortic dissection. Last evaluated: 2025-05-20. Review status: criteria provided, single submitter. Criteria: Ambry Variant Classification Scheme 2023. Collection method: clinical testing. Allele origin: germline.
Comment: The p.C119* pathogenic mutation (also known as c.357C>A), located in coding exon 4 of the FBN1 gene, results from a C to A substitution at nucleotide position 357. This changes the amino acid from a cysteine to a stop codon within coding exon 4. This variant was reported in individual(s) with features consistent with Marfan syndrome (Gao L et al. Int J Cardiol, 2019 Oct;293:186-191; Ambry internal data). This variant is considered to be rare based on population cohorts in the Genome Aggregation Database (gnomAD). This alteration is expected to result in loss of function by premature protein truncation or nonsense-mediated mRNA decay. As such, this alteration is interpreted as a disease-causing mutation.

Literature cited by the submitters: PubMed 31279664.